The following is an entry in ClinVar:

NM_001330700.2(TOP2B):c.396-13_396-5del

Gene: TOP2B (DNA topoisomerase II beta; minus strand). Cytogenetic location: 3p24.2.
Variant type: Deletion.
Coding change: c.396-13_396-5del on transcript NM_001330700.2 (MANE Select); 13 bases into the intron before coding-DNA position 396 through 5 bases into the intron before coding-DNA position 396, 9 bases deleted (TTTTTTTTT; older notation c.396-13_396-5delTTTTTTTTT).
Molecular consequence: intron variant.
Genome position (GRCh38, 1-based): chr3:25,638,315-25,638,323, AAAAAAAAA deleted on the plus strand (TTTTTTTTT on the coding strand, the reverse complement: TOP2B is on the minus strand); deleting any 9 consecutive bases within chr3:25,638,315-25,638,352 gives the same sequence; the c. name uses the placement nearest the transcript's 3' end. VCF-style (leftmost placement, unchanged base first): chr3-25638314-TAAAAAAAAA-T. GRCh37 (hg19) VCF-style: chr3-25679805-TAAAAAAAAA-T.
Other names: c.396-13_396-5del9 (NM_001330700.1); c.381-13_381-5del (NM_001068.3).
Identifiers: ClinVar variation 1613468 (VCV001613468.11), dbSNP rs56986587, ClinGen allele CA905648754.

ClinVar aggregate classification (germline): Benign/Likely benign. Review status: criteria provided, multiple submitters, no conflicts (2 of 4 stars). 3 submissions from 3 submitters: Benign (1); Likely benign (1). 1 of the submissions does not count toward it. Last evaluated 2025-09-28.

Conditions:
TOP2B-related disorder. Also called: TOP2B-related condition.

Submissions (3):

Labcorp Genetics (formerly Invitae), Labcorp
Classification: Benign. Last evaluated: 2025-09-28. Review status: criteria provided, single submitter. Criteria: Invitae Variant Classification Sherloc (09022015). Collection method: clinical testing. Allele origin: germline.

Blueprint Genetics
Classification: Likely benign. Last evaluated: 2024-11-25. Review status: criteria provided, single submitter. Criteria: ACMG Guidelines, 2015. Collection method: clinical testing. Allele origin: germline.

PreventionGenetics, part of Exact Sciences
Classification: Likely benign for TOP2B-related condition. Last evaluated: 2023-10-20. Review status: no assertion criteria provided. Collection method: clinical testing. Allele origin: germline. Not counted in ClinVar's aggregate classification.
Comment: This variant is classified as likely benign based on ACMG/AMP sequence variant interpretation guidelines (Richards et al. 2015 PMID: 25741868, with internal and published modifications).